The following is an entry in ClinVar:

NM_001040108.2(MLH3):c.4351G>C (p.Glu1451Gln)

Gene: MLH3 (mutL homolog 3; minus strand). Cytogenetic location: 14q24.3.
Variant type: single nucleotide variant.
Coding change: c.4351G>C on transcript NM_001040108.2 (MANE Select); coding-DNA position 4351, G replaced by C.
Protein change: p.Glu1451Gln; replaces glutamic acid 1451 with glutamine.
Molecular consequence: missense variant.
Genome position (GRCh38, 1-based): chr14:75,017,093, C>G on the plus strand (G>C on the coding strand, the complement: MLH3 is on the minus strand). VCF-style: chr14-75017093-C-G. GRCh37 (hg19) VCF-style: chr14-75483796-C-G.
Other names: c.4279G>C, p.Glu1427Gln (NM_014381.3); short protein forms E1427Q, E1451Q.
Identifiers: ClinVar variation 1387806 (VCV001387806.11), dbSNP rs28939071, ClinGen allele CA390417489.
Genomic context (GRCh38, chr14:75,017,093, plus strand): 5'-GGCATACAGTGAACATCCCTTTGTTCCTTTTAGACCAGTGATTCTGTTCTCATGGTGGCT[C>G]ACAGGGAGGCATGGATTGCTGCAGGCTCTGCCTTGTATCACACTCTGCTTTTCCAAAGAG-3'
Protein context (NP_001035197.1, residues 1441-1453): QSLQQSMPPC[Glu1451Gln]PP

ClinVar aggregate classification (germline): Uncertain significance. Review status: criteria provided, multiple submitters, no conflicts (2 of 4 stars). 2 submissions from 2 submitters: Uncertain significance (2). Last evaluated 2024-11-05.

Conditions:
Colorectal cancer, hereditary nonpolyposis, type 7. Identifiers: Orphanet 144, MedGen C1858380, MONDO:0013725, OMIM 614385.

Submissions (2):

Ambry Genetics
Classification: Uncertain significance. Last evaluated: 2024-11-05. Review status: criteria provided, single submitter. Criteria: Ambry Variant Classification Scheme 2023. Collection method: clinical testing. Allele origin: germline.
Comment: The p.E1451Q variant (also known as c.4351G>C), located in coding exon 12 of the MLH3 gene, results from a G to C substitution at nucleotide position 4351. The glutamic acid at codon 1451 is replaced by glutamine, an amino acid with highly similar properties. This amino acid position is highly conserved in available vertebrate species. In addition, the in silico prediction for this alteration is inconclusive. Since supporting evidence is limited at this time, the clinical significance of this alteration remains unclear.

Labcorp Genetics (formerly Invitae), Labcorp
Classification: Uncertain significance for Colorectal cancer, hereditary nonpolyposis, type 7. Last evaluated: 2023-12-05. Review status: criteria provided, single submitter. Criteria: Invitae Variant Classification Sherloc (09022015). Collection method: clinical testing. Allele origin: germline.
Comment: This sequence change replaces glutamic acid, which is acidic and polar, with glutamine, which is neutral and polar, at codon 1451 of the MLH3 protein (p.Glu1451Gln). This variant is not present in population databases (gnomAD no frequency). This variant has not been reported in the literature in individuals affected with MLH3-related conditions. ClinVar contains an entry for this variant (Variation ID: 1387806). An algorithm developed to predict the effect of missense changes on protein structure and function (PolyPhen-2) suggests that this variant is likely to be disruptive. In summary, the available evidence is currently insufficient to determine the role of this variant in disease. Therefore, it has been classified as a Variant of Uncertain Significance.